The following is an entry in ClinVar:

ClinVar aggregate classification (germline): Likely benign. Review status: criteria provided, multiple submitters, no conflicts (2 of 4 stars). 6 submissions from 6 submitters: Likely benign (5). 1 of the submissions does not count toward it. Last evaluated 2026-01-26.

Conditions:
ZNF469-related disorder. Also called: ZNF469-related condition.
Cardiovascular phenotype. Identifiers: MedGen CN230736.

Allele frequency attached by ClinVar (database versions not stated): 1000 Genomes Project 0.00100; ESP Exome Variant Server 0.00131; 1000 Genomes Project 30x 0.00156.
gnomAD v4.1: 264 of 1,550,416 alleles (0.017%); highest among the groups gnomAD compares: African/African-American, 0.32%; no homozygotes.

Submissions (6):

Labcorp Genetics (formerly Invitae), Labcorp
Classification: Likely benign. Last evaluated: 2026-01-26. Review status: criteria provided, single submitter. Criteria: Invitae Variant Classification Sherloc (09022015). Collection method: clinical testing. Allele origin: germline.

Blueprint Genetics
Classification: Likely benign. Last evaluated: 2024-11-07. Review status: criteria provided, single submitter. Criteria: ACMG Guidelines, 2015. Collection method: clinical testing. Allele origin: germline.

GeneDx
Classification: Likely benign. Last evaluated: 2021-06-04. Review status: criteria provided, single submitter. Criteria: GeneDx Variant Classification Process June 2021. Collection method: clinical testing. Allele origin: germline. Affected: yes.

Ambry Genetics
Classification: Likely benign for Cardiovascular phenotype. Last evaluated: 2020-12-09. Review status: criteria provided, single submitter. Criteria: Ambry Variant Classification Scheme 2023. Collection method: clinical testing. Allele origin: germline.

Breakthrough Genomics
Classification: Likely benign. Review status: criteria provided, single submitter. Criteria: ACMG Guidelines, 2015. Collection method: not provided. Allele origin: germline. Inheritance: Autosomal recessive inheritance. Affected: yes.

PreventionGenetics, part of Exact Sciences
Classification: Likely benign for ZNF469-related condition. Last evaluated: 2023-07-21. Review status: no assertion criteria provided. Collection method: clinical testing. Allele origin: germline. Not counted in ClinVar's aggregate classification.
Comment: This variant is classified as likely benign based on ACMG/AMP sequence variant interpretation guidelines (Richards et al. 2015 PMID: 25741868, with internal and published modifications).

NM_001367624.2(ZNF469):c.10605C>G (p.Thr3535=)

Gene: ZNF469 (zinc finger protein 469; plus strand). Cytogenetic location: 16q24.2.
Variant type: single nucleotide variant.
Coding change: c.10605C>G on transcript NM_001367624.2 (MANE Select); coding-DNA position 10605, C replaced by G.
Protein change: p.Thr3535=; no amino-acid change (threonine 3535 retained).
Molecular consequence: synonymous variant.
Genome position (GRCh38, 1-based): chr16:88,438,075, C>G. VCF-style: chr16-88438075-C-G. GRCh37 (hg19) VCF-style: chr16-88504483-C-G.
Other names: NM_001127464.1:c.10521C>G; NM_001127464.2:c.10521C>G.
Identifiers: ClinVar variation 1191551 (VCV001191551.15), dbSNP rs375672779, ClinGen allele CA8225533.